The following is an entry in ClinVar:

NM_133259.4(LRPPRC):c.2603_2604del (p.Lys868fs)

Gene: LRPPRC (leucine rich pentatricopeptide repeat containing; minus strand). Cytogenetic location: 2p21.
Variant type: Deletion.
Coding change: c.2603_2604del on transcript NM_133259.4 (MANE Select); coding-DNA positions 2603 to 2604, 2 bases deleted (AA; older notation c.2603_2604delAA).
Protein change: p.Lys868fs; shifts the reading frame from lysine 868.
Molecular consequence: frameshift variant.
Genome position (GRCh38, 1-based): chr2:43,934,779-43,934,780, TT deleted on the plus strand (AA on the coding strand, the reverse complement: LRPPRC is on the minus strand); deleting any 2 consecutive bases within chr2:43,934,779-43,934,781 gives the same sequence; the c. name uses the placement nearest the transcript's 3' end. VCF-style (leftmost placement, unchanged base first): chr2-43934778-CTT-C. GRCh37 (hg19) VCF-style: chr2-44161917-CTT-C.
Other names: short protein forms K868fs.
Identifiers: ClinVar variation 3382143 (VCV003382143.2).

ClinVar aggregate classification (germline): Likely pathogenic (1 of 4 stars; one submission).

Conditions:
Congenital lactic acidosis, Saguenay-Lac-Saint-Jean type (MC4DN5). Also called: MITOCHONDRIAL COMPLEX IV DEFICIENCY, NUCLEAR TYPE 5; CYTOCHROME c OXIDASE DEFICIENCY, FRENCH CANADIAN TYPE; COX DEFICIENCY, FRENCH CANADIAN TYPE. Identifiers: Orphanet 70472, MedGen C1857355, MONDO:0009069, OMIM 220111.

Submission:

Juno Genomics, Hangzhou Juno Genomics, Inc
Classification: Likely pathogenic for Congenital lactic acidosis, Saguenay-Lac-Saint-Jean type. Review status: criteria provided, single submitter. Criteria: ACMG Guidelines, 2015. Collection method: clinical testing. Allele origin: germline. Affected: yes.
Comment: Absent from controls (or at extremely low frequency if recessive) in Genome Aggregation Database, Exome Sequencing Project, 1000 Genomes Project, or Exome Aggregation Consortium.;Null variant in a gene where loss of function (LOF) is a known mechanism of disease.